The following is an entry in ClinVar:

NM_018089.3(ANKZF1):c.671+10_671+11delinsGC

Gene: ANKZF1 (ankyrin repeat and zinc finger peptidyl tRNA hydrolase 1; plus strand). Cytogenetic location: 2q35.
Variant type: Indel.
Coding change: c.671+10_671+11delinsGC on transcript NM_018089.3 (MANE Select); bases 10 to 11 of the intron after coding-DNA position 671, TG replaced by GC.
Molecular consequence: intron variant.
Genome position (GRCh38, 1-based): chr2:219,233,201-219,233,202, TG replaced by GC. VCF-style: chr2-219233201-TG-GC. GRCh37 (hg19) VCF-style: chr2-220097923-TG-GC.
Other names: c.671+10_671+11delinsGC (NM_001042410.2); c.41+10_41+11delinsGC (NM_001282792.2).
Identifiers: ClinVar variation 2807173 (VCV002807173.3), dbSNP rs2544917861, ClinGen allele CA2739277909.

ClinVar aggregate classification (germline): Uncertain significance (1 of 4 stars; one submission).

Submission:

Labcorp Genetics (formerly Invitae), Labcorp
Classification: Uncertain significance. Last evaluated: 2024-02-26. Review status: criteria provided, single submitter. Criteria: Invitae Variant Classification Sherloc (09022015). Collection method: clinical testing. Allele origin: germline.
Comment: This sequence change falls in intron 6 of the ANKZF1 gene. It does not directly change the encoded amino acid sequence of the ANKZF1 protein. Information on the frequency of this variant in the gnomAD database is not available, as this variant may be reported differently in the database. This variant has not been reported in the literature in individuals affected with ANKZF1-related conditions. Experimental studies and prediction algorithms are not available or were not evaluated, and the effect of this variant on mRNA splicing is currently unknown. In summary, the available evidence is currently insufficient to determine the role of this variant in disease. Therefore, it has been classified as a Variant of Uncertain Significance.